The following is an entry in ClinVar:

ClinVar aggregate classification (germline): Likely benign (1 of 4 stars; one submission).

Submission:

GeneDx
Classification: Likely benign. Last evaluated: 2022-09-26. Review status: criteria provided, single submitter. Criteria: GeneDx Variant Classification Process June 2021. Collection method: clinical testing. Allele origin: germline. Affected: yes.
Comment: Not observed at significant frequency in large population cohorts (gnomAD); In silico analysis supports that this variant does not alter splicing; Nucleotide substitution has no predicted effect on splicing and is not conserved across species; Has not been previously published as pathogenic or benign to our knowledge

NM_012469.4(PRPF6):c.1769+3A>G

Gene: PRPF6 (pre-mRNA processing factor 6; plus strand). Cytogenetic location: 20q13.33.
Variant type: single nucleotide variant.
Coding change: c.1769+3A>G on transcript NM_012469.4 (MANE Select); 3 bases into the intron after coding-DNA position 1769, A replaced by G.
Molecular consequence: intron variant.
Genome position (GRCh38, 1-based): chr20:64,022,881, A>G. VCF-style: chr20-64022881-A-G. GRCh37 (hg19) VCF-style: chr20-62654234-A-G.
Identifiers: ClinVar variation 1314862 (VCV001314862.3), dbSNP rs2123086911, ClinGen allele CA2573054914.
Genomic context (GRCh38, chr20:64,022,881, plus strand): 5'-CCAGCAAGAAGAGTGTGTGGCTGCGCGCCGCGTACTTCGAGAAGAACCATGGCACTCGGT[A>G]TGTGGTGGGACCCGCCTGCCCAAGGGTGCTAATGAAACCTCCAGCTCCATTTGTGTAGCC-3'